The following is an entry in ClinVar:

ClinVar aggregate classification (germline): Conflicting classifications of pathogenicity. Review status: criteria provided, conflicting classifications (1 of 4 stars). 2 submissions from 2 submitters: Uncertain significance (1); Benign (1). Last evaluated 2025-08-20.

Conditions:
Kleefstra syndrome 1 (KLEFS1). Identifiers: Orphanet 261494, MedGen C0795833, MONDO:0027407, OMIM 610253.

gnomAD v4.1: 2 of 1,610,772 alleles (0.00012%); highest among the groups gnomAD compares: Non-Finnish European, 0.00017%; no homozygotes.

Submissions (2):

Labcorp Genetics (formerly Invitae), Labcorp
Classification: Uncertain significance for Kleefstra syndrome 1. Last evaluated: 2025-08-20. Review status: criteria provided, single submitter. Criteria: Invitae Variant Classification Sherloc (09022015). Collection method: clinical testing. Allele origin: germline.
Comment: This sequence change replaces asparagine, which is neutral and polar, with serine, which is neutral and polar, at codon 1095 of the EHMT1 protein (p.Asn1095Ser). This variant is not present in population databases (gnomAD no frequency). This missense change has been observed in individual(s) with Kleefstra syndrome (PMID: 39013458). ClinVar contains an entry for this variant (Variation ID: 3236912). Invitae Evidence Modeling of protein sequence and biophysical properties (such as structural, functional, and spatial information, amino acid conservation, physicochemical variation, residue mobility, and thermodynamic stability) indicates that this missense variant is not expected to disrupt EHMT1 protein function with a negative predictive value of 80%. In summary, the available evidence is currently insufficient to determine the role of this variant in disease. Therefore, it has been classified as a Variant of Uncertain Significance.

Laboratory of Genetics, Children's Clinical University Hospital Latvia
Classification: Benign for Kleefstra syndrome 1. Review status: criteria provided, single submitter. Criteria: ACMG Guidelines, 2015. Collection method: curation. Allele origin: germline. Affected: yes.
Comment: Inheritance unknown

Literature cited by the submitters: PubMed 39013458 (cited by Labcorp Genetics (formerly Invitae), Labcorp and Laboratory of Genetics, Children's Clinical University Hospital Latvia).

NM_024757.5(EHMT1):c.3284A>G (p.Asn1095Ser)

Gene: EHMT1 (euchromatic histone lysine methyltransferase 1; plus strand). Cytogenetic location: 9q34.3.
Variant type: single nucleotide variant.
Coding change: c.3284A>G on transcript NM_024757.5 (MANE Select); coding-DNA position 3284, A replaced by G.
Protein change: p.Asn1095Ser; replaces asparagine 1095 with serine.
Molecular consequence: missense variant.
Genome position (GRCh38, 1-based): chr9:137,815,972, A>G. VCF-style: chr9-137815972-A-G. GRCh37 (hg19) VCF-style: chr9-140710424-A-G.
Other names: c.3263A>G, p.Asn1088Ser (NM_001354263.2); short protein forms N1088S, N1095S.
Identifiers: ClinVar variation 3236912 (VCV003236912.2).